The following is an entry in ClinVar:

ClinVar aggregate classification (germline): Uncertain significance. Review status: criteria provided, multiple submitters, no conflicts (2 of 4 stars). 5 submissions from 5 submitters: Uncertain significance (5). Last evaluated 2025-11-11.

Conditions:
Myofibrillar myopathy 5. Also called: FILAMINOPATHY, AUTOSOMAL DOMINANT; Filaminopathy (type). Identifiers: Orphanet 171445, MedGen C1836050, MONDO:0012289, OMIM 609524.
Hypertrophic cardiomyopathy 26. Also called: Cardiomyopathy, familial hypertrophic, 26. Identifiers: Orphanet 75249, MedGen C4310749, MONDO:0014883, OMIM 617047.
Distal myopathy with posterior leg and anterior hand involvement. Also called: WILLIAMS DISTAL MYOPATHY. Identifiers: Orphanet 63273, MedGen C3279722, MONDO:0013550, OMIM 614065.
Cardiovascular phenotype. Identifiers: MedGen CN230736.

gnomAD v4.1: 7 of 1,613,868 alleles (0.00043%); highest among the groups gnomAD compares: Non-Finnish European, 0.00059%; no homozygotes.

Submissions (5):

Dasa
Classification: Uncertain significance. Last evaluated: 2025-11-11. Review status: criteria provided, single submitter. Criteria: DASA Assertion Criteria. Collection method: clinical testing. Allele origin: germline.
Comment: NM_001458.5(FLNC):c.3862G>C (p.Val1288Leu) is a missense variant that results in the substitution of valine with leucine. This variant is rare in population databases. The currently available literature and clinical evidence are not sufficient to establish a definitive association between this variant and the reported condition. Therefore, this variant is classified as a variant of uncertain significance.

Labcorp Genetics (formerly Invitae), Labcorp
Classification: Uncertain significance for Distal myopathy with posterior leg and anterior hand involvement; Myofibrillar myopathy 5; Hypertrophic cardiomyopathy 26. Last evaluated: 2025-09-10. Review status: criteria provided, single submitter. Criteria: Invitae Variant Classification Sherloc (09022015). Collection method: clinical testing. Allele origin: germline.
Comment: This sequence change replaces valine, which is neutral and non-polar, with leucine, which is neutral and non-polar, at codon 1288 of the FLNC protein (p.Val1288Leu). This variant is not present in population databases (gnomAD no frequency). This variant has not been reported in the literature in individuals affected with FLNC-related conditions. ClinVar contains an entry for this variant (Variation ID: 1006711). Invitae Evidence Modeling of protein sequence and biophysical properties (such as structural, functional, and spatial information, amino acid conservation, physicochemical variation, residue mobility, and thermodynamic stability) has been performed for this missense variant. However, the output from this modeling did not meet the statistical confidence thresholds required to predict the impact of this variant on FLNC protein function. In summary, the available evidence is currently insufficient to determine the role of this variant in disease. Therefore, it has been classified as a Variant of Uncertain Significance.

Ambry Genetics
Classification: Uncertain significance for Cardiovascular phenotype. Last evaluated: 2024-06-22. Review status: criteria provided, single submitter. Criteria: Ambry Variant Classification Scheme 2023. Collection method: clinical testing. Allele origin: germline.
Comment: The p.V1288L variant (also known as c.3862G>C), located in coding exon 22 of the FLNC gene, results from a G to C substitution at nucleotide position 3862. The valine at codon 1288 is replaced by leucine, an amino acid with highly similar properties. This amino acid position is conserved. In addition, this alteration is predicted to be tolerated by in silico analysis. Since supporting evidence is limited at this time, the clinical significance of this alteration remains unclear.

Blueprint Genetics
Classification: Uncertain significance. Last evaluated: 2024-03-01. Review status: criteria provided, single submitter. Criteria: ACMG Guidelines, 2015. Collection method: clinical testing. Allele origin: germline.

Revvity Omics, Revvity
Classification: Uncertain significance. Last evaluated: 2023-08-17. Review status: criteria provided, single submitter. Criteria: ACMG Guidelines, 2015. Collection method: clinical testing. Allele origin: germline.

NM_001458.5(FLNC):c.3862G>C (p.Val1288Leu)

Gene: FLNC (filamin C; plus strand). Cytogenetic location: 7q32.1.
Variant type: single nucleotide variant.
Coding change: c.3862G>C on transcript NM_001458.5 (MANE Select); coding-DNA position 3862, G replaced by C.
Protein change: p.Val1288Leu; replaces valine 1288 with leucine.
Molecular consequence: missense variant.
Genome position (GRCh38, 1-based): chr7:128,846,061, G>C. VCF-style: chr7-128846061-G-C. GRCh37 (hg19) VCF-style: chr7-128486115-G-C.
Other names: c.3862G>C, p.Val1288Leu (NM_001127487.2); short protein forms V1288L.
Identifiers: ClinVar variation 1006711 (VCV001006711.16), dbSNP rs750415476, ClinGen allele CA369198593.
Genomic context (GRCh38, chr7:128,846,061, plus strand): 5'-GAGGTGACCACTGAGTTCACTGTGGATGCAAGATCCCTAACAGCCACAGGCGGCAACCAC[G>C]TGACGGCTCGTGTGCTCAACCCCTCGGGGGCCAAGACAGACACCTATGTGACAGACAATG-3'
Protein context (NP_001449.3, residues 1278-1298): RSLTATGGNH[Val1288Leu]TARVLNPSGA